The following is an entry in ClinVar:

NM_000271.5(NPC1):c.2365C>G (p.Arg789Gly)

Gene: NPC1 (NPC intracellular cholesterol transporter 1; minus strand). Cytogenetic location: 18q11.2.
Variant type: single nucleotide variant.
Coding change: c.2365C>G on transcript NM_000271.5 (MANE Select); coding-DNA position 2365, C replaced by G.
Protein change: p.Arg789Gly; replaces arginine 789 with glycine.
Molecular consequence: missense variant.
Genome position (GRCh38, 1-based): chr18:23,541,314, G>C on the plus strand (C>G on the coding strand, the complement: NPC1 is on the minus strand). VCF-style: chr18-23541314-G-C. GRCh37 (hg19) VCF-style: chr18-21121278-G-C.
Other names: short protein forms R789G.
Identifiers: ClinVar variation 1326279 (VCV001326279.6), dbSNP rs1555633697, ClinGen allele CA401793597.

ClinVar aggregate classification (germline): Likely pathogenic. Review status: criteria provided, multiple submitters, no conflicts (2 of 4 stars). 2 submissions from 2 submitters: Likely pathogenic (2). Last evaluated 2025-11-09.

Conditions:
Niemann-Pick disease, type C1. Also called: NEUROVISCERAL STORAGE DISEASE WITH VERTICAL SUPRANUCLEAR OPHTHALMOPLEGIA; NIEMANN-PICK DISEASE WITH CHOLESTEROL ESTERIFICATION BLOCK; NIEMANN-PICK DISEASE WITHOUT SPHINGOMYELINASE DEFICIENCY; NIEMANN-PICK DISEASE, CHRONIC NEURONOPATHIC FORM; NIEMANN-PICK DISEASE, VARIANT TYPE C1. Identifiers: Orphanet 646, MedGen C3179455, MONDO:0009757, OMIM 257220.

gnomAD v4.1: 47 of 1,614,198 alleles (0.0029%); highest among the groups gnomAD compares: Non-Finnish European, 0.004%; no homozygotes.

Submissions (2):

Labcorp Genetics (formerly Invitae), Labcorp
Classification: Likely pathogenic for Niemann-Pick disease, type C1. Last evaluated: 2025-11-09. Review status: criteria provided, single submitter. Criteria: Invitae Variant Classification Sherloc (09022015). Collection method: clinical testing. Allele origin: germline.
Comment: This sequence change replaces arginine, which is basic and polar, with glycine, which is neutral and non-polar, at codon 789 of the NPC1 protein (p.Arg789Gly). This variant is not present in population databases (gnomAD no frequency). This missense change has been observed in individual(s) with Niemann-Pick type C (PMID: 12955717, 19744920). ClinVar contains an entry for this variant (Variation ID: 1326279). Invitae Evidence Modeling of protein sequence and biophysical properties (such as structural, functional, and spatial information, amino acid conservation, physicochemical variation, residue mobility, and thermodynamic stability) indicates that this missense variant is expected to disrupt NPC1 protein function with a positive predictive value of 95%. This variant disrupts the p.Arg789 amino acid residue in NPC1. Other variant(s) that disrupt this residue have been determined to be pathogenic (PMID: 11349231, 24915861). This suggests that this residue is clinically significant, and that variants that disrupt this residue are likely to be disease-causing. In summary, the currently available evidence indicates that the variant is pathogenic, but additional data are needed to prove that conclusively. Therefore, this variant has been classified as Likely Pathogenic.

CENTOGENE GmbH and LLC - Guiding Precision Medicine
Classification: Likely pathogenic for Niemann-Pick disease, type C1. Last evaluated: 2021-08-30. Review status: criteria provided, single submitter. Criteria: ACMG Guidelines, 2015. Collection method: clinical testing. Allele origin: germline. Affected: yes.

Literature cited by the submitters: PubMed 12955717 (cited by Labcorp Genetics (formerly Invitae), Labcorp); PubMed 19744920 (cited by Labcorp Genetics (formerly Invitae), Labcorp); PubMed 11349231 (cited by Labcorp Genetics (formerly Invitae), Labcorp); PubMed 24915861 (cited by Labcorp Genetics (formerly Invitae), Labcorp).